The following is an entry in ClinVar:

ClinVar aggregate classification (germline): Uncertain significance (1 of 4 stars; one submission).

Conditions:
Left ventricular noncompaction 1 (LVNC1). Also called: LEFT VENTRICULAR NONCOMPACTION 1 WITH OR WITHOUT CONGENITAL HEART DEFECTS. Identifiers: Orphanet 54260, MedGen C1858725, MONDO:0011403, OMIM 604169.

gnomAD v4.1: 16 of 1,614,096 alleles (0.00099%); highest among the groups gnomAD compares: South Asian, 0.0033%; no homozygotes.

Submission:

Labcorp Genetics (formerly Invitae), Labcorp
Classification: Uncertain significance for Left ventricular noncompaction 1. Last evaluated: 2024-02-16. Review status: criteria provided, single submitter. Criteria: Invitae Variant Classification Sherloc (09022015). Collection method: clinical testing. Allele origin: germline.
Comment: This sequence change replaces proline, which is neutral and non-polar, with leucine, which is neutral and non-polar, at codon 590 of the DTNA protein (p.Pro590Leu). This variant is present in population databases (rs746246245, gnomAD 0.01%). This variant has not been reported in the literature in individuals affected with DTNA-related conditions. An algorithm developed to predict the effect of missense changes on protein structure and function (PolyPhen-2) suggests that this variant is likely to be tolerated. In summary, the available evidence is currently insufficient to determine the role of this variant in disease. Therefore, it has been classified as a Variant of Uncertain Significance.

NM_001386795.1(DTNA):c.1850C>T (p.Pro617Leu)

Gene: DTNA (dystrobrevin alpha; plus strand). Cytogenetic location: 18q12.1.
Variant type: single nucleotide variant.
Coding change: c.1850C>T on transcript NM_001386795.1 (MANE Select); coding-DNA position 1850, C replaced by T.
Protein change: p.Pro617Leu; replaces proline 617 with leucine.
Molecular consequence: missense variant.
Genome position (GRCh38, 1-based): chr18:34,875,345, C>T. VCF-style: chr18-34875345-C-T. GRCh37 (hg19) VCF-style: chr18-32455309-C-T.
Other names: c.1589C>T, p.Pro530Leu (NM_001198938.2, NM_001198940.2, NM_001386753.1 and 5 more transcripts); c.1610C>T, p.Pro537Leu (NM_001198939.2); c.896C>T, p.Pro299Leu (NM_001198942.1); c.839C>T, p.Pro280Leu (NM_001198943.1); c.725C>T, p.Pro242Leu (NM_001198944.1); c.1679C>T, p.Pro560Leu (NM_001386754.1, NM_001386755.1, NM_001386756.1 and 3 more transcripts); c.1676C>T, p.Pro559Leu (NM_001386760.1); c.1598C>T, p.Pro533Leu (NM_001386761.1, NM_032975.4); and 5 more; short protein forms P238L, P242L, P280L, P299L, P529L, P530L, P532L, P533L.
Identifiers: ClinVar variation 3617898 (VCV003617898.2).